The following is an entry in ClinVar:

ClinVar aggregate classification (germline): Uncertain significance (1 of 4 stars; one submission).

Submission:

GeneDx
Classification: Uncertain significance. Last evaluated: 2025-05-03. Review status: criteria provided, single submitter. Criteria: GeneDx Variant Classification Process June 2021. Collection method: clinical testing. Allele origin: germline. Affected: yes.
Comment: In silico analysis supports that this missense variant has a deleterious effect on protein structure/function; Has not been previously published as pathogenic or benign to our knowledge; No data available from control populations to assess the frequency of this variant

NM_001287491.2(TET3):c.183G>C (p.Glu61Asp)

Gene: TET3 (tet methylcytosine dioxygenase 3; plus strand). Cytogenetic location: 2p13.1.
Variant type: single nucleotide variant.
Coding change: c.183G>C on transcript NM_001287491.2 (MANE Select); coding-DNA position 183, G replaced by C.
Protein change: p.Glu61Asp; replaces glutamic acid 61 with aspartic acid.
Molecular consequence: missense variant.
Genome position (GRCh38, 1-based): chr2:73,986,586, G>C. VCF-style: chr2-73986586-G-C. GRCh37 (hg19) VCF-style: chr2-74213713-G-C.
Other names: short protein forms E61D.
Identifiers: ClinVar variation 4528101 (VCV004528101.1).